The following is an entry in ClinVar:

NM_152383.5(DIS3L2):c.445C>T (p.His149Tyr)

Gene: DIS3L2 (DIS3 like 3'-5' exoribonuclease 2; plus strand). Cytogenetic location: 2q37.1.
Variant type: single nucleotide variant.
Coding change: c.445C>T on transcript NM_152383.5 (MANE Select); coding-DNA position 445, C replaced by T.
Protein change: p.His149Tyr; replaces histidine 149 with tyrosine.
Molecular consequence: missense variant. On other transcripts: non-coding transcript variant (2).
Genome position (GRCh38, 1-based): chr2:232,087,565, C>T. VCF-style: chr2-232087565-C-T. GRCh37 (hg19) VCF-style: chr2-232952275-C-T.
Other names: c.445C>T, p.His149Tyr (NM_001257281.2, NM_001257282.2); short protein forms H149Y.
Identifiers: ClinVar variation 1439754 (VCV001439754.8), dbSNP rs1209842240, ClinGen allele CA351154986.

ClinVar aggregate classification (germline): Uncertain significance (1 of 4 stars; one submission).

Conditions:
Perlman syndrome (PRLMNS). Identifiers: Orphanet 2849, MedGen C0796113, MONDO:0009965, OMIM 267000.

Allele frequency attached by ClinVar (database versions not stated): gnomAD exomes below 0.00001; gnomAD 0.00001; TOPMed 0.00002.
gnomAD v4.1: 3 of 1,613,912 alleles (0.00019%); highest among the groups gnomAD compares: African/African-American, 0.004%; no homozygotes.

Submission:

Labcorp Genetics (formerly Invitae), Labcorp
Classification: Uncertain significance for Perlman syndrome. Last evaluated: 2023-03-07. Review status: criteria provided, single submitter. Criteria: Invitae Variant Classification Sherloc (09022015). Collection method: clinical testing. Allele origin: germline.
Comment: This sequence change replaces histidine, which is basic and polar, with tyrosine, which is neutral and polar, at codon 149 of the DIS3L2 protein (p.His149Tyr). This variant is present in population databases (no rsID available, gnomAD 0.01%). This variant has not been reported in the literature in individuals affected with DIS3L2-related conditions. ClinVar contains an entry for this variant (Variation ID: 1439754). An algorithm developed to predict the effect of missense changes on protein structure and function (PolyPhen-2) suggests that this variant is likely to be tolerated. In summary, the available evidence is currently insufficient to determine the role of this variant in disease. Therefore, it has been classified as a Variant of Uncertain Significance.